The following is an entry in ClinVar:

NM_198578.4(LRRK2):c.7273C>T (p.Leu2425Phe)

Gene: LRRK2 (leucine rich repeat kinase 2; plus strand). Cytogenetic location: 12q12.
Variant type: single nucleotide variant.
Coding change: c.7273C>T on transcript NM_198578.4 (MANE Select); coding-DNA position 7273, C replaced by T.
Protein change: p.Leu2425Phe; replaces leucine 2425 with phenylalanine.
Molecular consequence: missense variant.
Genome position (GRCh38, 1-based): chr12:40,364,933, C>T. VCF-style: chr12-40364933-C-T. GRCh37 (hg19) VCF-style: chr12-40758735-C-T.
Other names: short protein forms L2425F.
Identifiers: ClinVar variation 1758024 (VCV001758024.2), dbSNP rs766987860, ClinGen allele CA384414925.

ClinVar aggregate classification (germline): Uncertain significance (1 of 4 stars; one submission).

Conditions:
Inborn genetic diseases. Identifiers: MedGen C0950123, MeSH D030342.

gnomAD v4.1: 1 of 1,612,544 alleles (0.000062%); highest among the groups gnomAD compares: Non-Finnish European, 0.000085%; no homozygotes.

Submission:

Ambry Genetics
Classification: Uncertain significance for Inborn genetic diseases. Last evaluated: 2023-10-10. Review status: criteria provided, single submitter. Criteria: Ambry Variant Classification Scheme 2023. Collection method: clinical testing. Allele origin: germline.
Comment: The p.L2425F variant (also known as c.7273C>T), located in coding exon 49 of the LRRK2 gene, results from a C to T substitution at nucleotide position 7273. The leucine at codon 2425 is replaced by phenylalanine, an amino acid with highly similar properties. This amino acid position is conserved. In addition, the in silico prediction for this alteration is inconclusive. Since supporting evidence is limited at this time, the clinical significance of this alteration remains unclear.